The following is an entry in ClinVar:

NM_001009944.3(PKD1):c.7305_7309del (p.Gly2436fs)

Gene: PKD1 (polycystin 1, transient receptor potential channel interacting; minus strand). Cytogenetic location: 16p13.3.
Variant type: Deletion.
Coding change: c.7305_7309del on transcript NM_001009944.3 (MANE Select); coding-DNA positions 7305 to 7309, 5 bases deleted (GGGCG; older notation c.7305_7309delGGGCG).
Protein change: p.Gly2436fs; shifts the reading frame from glycine 2436.
Molecular consequence: frameshift variant.
Genome position (GRCh38, 1-based): chr16:2,106,578-2,106,582, CGCCC deleted on the plus strand (GGGCG on the coding strand, the reverse complement: PKD1 is on the minus strand); deleting any 5 consecutive bases within chr16:2,106,578-2,106,586 gives the same sequence; the c. name uses the placement nearest the transcript's 3' end. VCF-style (leftmost placement, unchanged base first): chr16-2106577-ACGCCC-A. GRCh37 (hg19) VCF-style: chr16-2156578-ACGCCC-A.
Other names: c.7305_7309del, p.Gly2436fs (NM_000296.4); short protein forms G2436fs.
Identifiers: ClinVar variation 3256689 (VCV003256689.1).

ClinVar aggregate classification (germline): Pathogenic (1 of 4 stars; one submission).

Conditions:
Polycystic kidney disease, adult type (PKD1). Also called: Polycystic Kidney Disease 1, Autosomal Dominant; Polycystic kidney disease 1; Polycystic kidney disease 1, severe; POLYCYSTIC KIDNEY DISEASE, ADULT, TYPE I; Polycystic Kidney, Autosomal Dominant; POLYCYSTIC KIDNEY DISEASE 1 WITH OR WITHOUT POLYCYSTIC LIVER DISEASE. Identifiers: MedGen C3149841, MONDO:0008263, OMIM 173900.

Submission:

MVZ Medizinische Genetik Mainz
Classification: Pathogenic for Polycystic kidney disease, adult type. Last evaluated: 2024-04-17. Review status: criteria provided, single submitter. Criteria: UK Practice Guidelines For Variant Classification V4 01 2020. Collection method: clinical testing. Allele origin: germline. Inheritance: Autosomal dominant inheritance. Affected: yes. Observed: 1 variant allele.
Comment: ACMG Criteria: PVS1,PM2_SUP,PP4